The following is an entry in ClinVar:

NM_001009944.3(PKD1):c.7669G>T (p.Asp2557Tyr)

Gene: PKD1 (polycystin 1, transient receptor potential channel interacting; minus strand). Cytogenetic location: 16p13.3.
Variant type: single nucleotide variant.
Coding change: c.7669G>T on transcript NM_001009944.3 (MANE Select); coding-DNA position 7669, G replaced by T.
Protein change: p.Asp2557Tyr; replaces aspartic acid 2557 with tyrosine.
Molecular consequence: missense variant.
Genome position (GRCh38, 1-based): chr16:2,106,125, C>A on the plus strand (G>T on the coding strand, the complement: PKD1 is on the minus strand). VCF-style: chr16-2106125-C-A. GRCh37 (hg19) VCF-style: chr16-2156126-C-A.
Other names: c.7669G>T, p.Asp2557Tyr (NM_000296.4); short protein forms D2557Y.
Identifiers: ClinVar variation 1314553 (VCV001314553.5), dbSNP rs2151771553, ClinGen allele CA394368302.

ClinVar aggregate classification (germline): Uncertain significance. Review status: criteria provided, multiple submitters, no conflicts (2 of 4 stars). 3 submissions from 3 submitters: Uncertain significance (3). Last evaluated 2026-05-05.

Submissions (3):

Women's Health and Genetics/Laboratory Corporation of America, LabCorp
Classification: Uncertain significance. Last evaluated: 2026-05-05. Review status: criteria provided, single submitter. Criteria: LabCorp Variant Classification Summary - May 2015. Collection method: clinical testing. Allele origin: germline.
Comment: Variant summary: PKD1 c.7669G>T (p.Asp2557Tyr) results in a non-conservative amino acid change in the encoded protein sequence. Algorithms developed to predict the effect of missense changes on protein structure and function all suggest that this variant is likely to be disruptive. The variant was absent in 186076 control chromosomes. The available data on variant occurrences in the general population are insufficient to allow any conclusion about variant significance. To our knowledge, no occurrence of c.7669G>T in individuals affected with PKD1-related conditions and no experimental evidence demonstrating its impact on protein function have been reported. ClinVar contains an entry for this variant (Variation ID: 1314553). Based on the evidence outlined above, the variant was classified as uncertain significance.

GeneDx
Classification: Uncertain significance. Last evaluated: 2021-04-01. Review status: criteria provided, single submitter. Criteria: GeneDx Variant Classification Process June 2021. Collection method: clinical testing. Allele origin: germline. Affected: yes.
Comment: Not observed in large population cohorts (Lek et al., 2016); In silico analysis supports that this missense variant has a deleterious effect on protein structure/function; Has not been previously published as pathogenic or benign to our knowledge

Blueprint Genetics
Classification: Uncertain significance. Last evaluated: 2020-04-27. Review status: criteria provided, single submitter. Criteria: ACMG Guidelines, 2015. Collection method: clinical testing. Allele origin: germline.